The following is an entry in ClinVar:

ClinVar aggregate classification (germline): Uncertain significance (1 of 4 stars; one submission).

Conditions:
Junctional epidermolysis bullosa, non-Herlitz type. Also called: COL17A1-Related Junctional Epidermolysis Bullosa; Epidermolysis bullosa, junctional, non-herlitz type, somatic mosaic revertant; EPIDERMOLYSIS BULLOSA JUNCTIONALIS, DISENTIS TYPE; EPIDERMOLYSIS BULLOSA JUNCTIONALIS, NON-HERLITZ TYPE; EPIDERMOLYSIS BULLOSA JUNCTIONALIS, PROGRESSIVE; EPIDERMOLYSIS BULLOSA JUNCTIONALIS, SEVERE NONLETHAL. Identifiers: Orphanet 251393, Orphanet 79402, Orphanet 79405, Orphanet 89840, MedGen C0268374, MONDO:0009180, OMIM 226650.

Allele frequency attached by ClinVar (database versions not stated): TOPMed below 0.00001; ExAC 0.00001.

Submission:

Baylor Genetics
Classification: Uncertain significance for Junctional epidermolysis bullosa, non-Herlitz type. Last evaluated: 2018-11-23. Review status: criteria provided, single submitter. Criteria: ACMG Guidelines, 2015. Collection method: clinical testing. Allele origin: unknown. Affected: yes.
Comment: This variant was determined to be of uncertain significance according to ACMG Guidelines, 2015 [PMID:25741868].

NM_198129.4(LAMA3):c.7228T>A (p.Leu2410Met)

Gene: LAMA3 (laminin subunit alpha 3; plus strand). Cytogenetic location: 18q11.2.
Variant type: single nucleotide variant.
Coding change: c.7228T>A on transcript NM_198129.4 (MANE Select); coding-DNA position 7228, T replaced by A.
Protein change: p.Leu2410Met; replaces leucine 2410 with methionine.
Molecular consequence: missense variant.
Genome position (GRCh38, 1-based): chr18:23,912,780, T>A. VCF-style: chr18-23912780-T-A. GRCh37 (hg19) VCF-style: chr18-21492744-T-A.
Other names: c.2401T>A, p.Leu801Met (NM_000227.6); c.7060T>A, p.Leu2354Met (NM_001127717.4); c.2233T>A, p.Leu745Met (NM_001127718.4); short protein forms L745M, L2354M, L801M, L2410M.
Identifiers: ClinVar variation 1034116 (VCV001034116.1), dbSNP rs772651987, ClinGen allele CA8916590.